The following is an entry in ClinVar:

NC_000007.13:g.(?_116380896)_(116436178_?)dup

Gene: MET (MET proto-oncogene, receptor tyrosine kinase; plus strand). Cytogenetic location: 7q31.2.
Variant type: Duplication.
Identifiers: ClinVar variation 3245626 (VCV003245626.1).

ClinVar aggregate classification (germline): Uncertain significance (1 of 4 stars; one submission).

Conditions:
Renal cell carcinoma (RCCP1). Identifiers: Orphanet 217071, MedGen C0007134, MeSH D002292, MONDO:0005086, HP:0005584.

Submission:

Labcorp Genetics (formerly Invitae), Labcorp
Classification: Uncertain significance for Renal cell carcinoma. Last evaluated: 2023-06-28. Review status: criteria provided, single submitter. Criteria: Invitae Variant Classification Sherloc (09022015). Collection method: clinical testing. Allele origin: unknown.
Comment: In summary, the available evidence is currently insufficient to determine the role of this variant in disease. Therefore, it has been classified as a Variant of Uncertain Significance. Experimental studies and prediction algorithms are not available or were not evaluated, and the functional significance of this variant is currently unknown. A similar copy number variant has been observed in individual(s) with MET-related conditions (Invitae). It has also been observed to segregate with disease in related individuals. This variant results in a copy number gain of the genomic region encompassing exon(s) 5-21 of the MET gene. This region includes the termination codon of the gene. This copy number gain extends beyond the assayed region for this gene and therefore may encompass additional genes. As the precise location of this event is unknown, it may be in tandem or it may be located elsewhere in the genome.